The following is an entry in ClinVar:

ClinVar aggregate classification (germline): Uncertain significance. Review status: criteria provided, multiple submitters, no conflicts (2 of 4 stars). 2 submissions from 2 submitters: Uncertain significance (2). Last evaluated 2025-01-13.

Conditions:
Colorectal cancer, hereditary nonpolyposis, type 7. Identifiers: Orphanet 144, MedGen C1858380, MONDO:0013725, OMIM 614385.

Allele frequency attached by ClinVar (database versions not stated): ExAC 0.00002; TOPMed 0.00002; ESP Exome Variant Server 0.00015.
gnomAD v4.1: 44 of 1,613,926 alleles (0.0027%); highest among the groups gnomAD compares: Non-Finnish European, 0.0036%; no homozygotes.

Submissions (2):

Ambry Genetics
Classification: Uncertain significance. Last evaluated: 2025-01-13. Review status: criteria provided, single submitter. Criteria: Ambry Variant Classification Scheme 2023. Collection method: clinical testing. Allele origin: germline.
Comment: The p.E95D variant (also known as c.285G>C), located in coding exon 1 of the MLH3 gene, results from a G to C substitution at nucleotide position 285. The glutamic acid at codon 95 is replaced by aspartic acid, an amino acid with highly similar properties. This amino acid position is highly conserved in available vertebrate species. In addition, this alteration is predicted to be deleterious by in silico analysis. Since supporting evidence is limited at this time, the clinical significance of this alteration remains unclear.

Labcorp Genetics (formerly Invitae), Labcorp
Classification: Uncertain significance for Colorectal cancer, hereditary nonpolyposis, type 7. Last evaluated: 2024-09-23. Review status: criteria provided, single submitter. Criteria: Invitae Variant Classification Sherloc (09022015). Collection method: clinical testing. Allele origin: germline.
Comment: This sequence change replaces glutamic acid, which is acidic and polar, with aspartic acid, which is acidic and polar, at codon 95 of the MLH3 protein (p.Glu95Asp). This variant is present in population databases (rs369067732, gnomAD 0.002%). This variant has not been reported in the literature in individuals affected with MLH3-related conditions. ClinVar contains an entry for this variant (Variation ID: 858182). An algorithm developed to predict the effect of missense changes on protein structure and function (PolyPhen-2) suggests that this variant is likely to be disruptive. In summary, the available evidence is currently insufficient to determine the role of this variant in disease. Therefore, it has been classified as a Variant of Uncertain Significance.

NM_001040108.2(MLH3):c.285G>C (p.Glu95Asp)

Gene: MLH3 (mutL homolog 3; minus strand). Cytogenetic location: 14q24.3.
Variant type: single nucleotide variant.
Coding change: c.285G>C on transcript NM_001040108.2 (MANE Select); coding-DNA position 285, G replaced by C.
Protein change: p.Glu95Asp; replaces glutamic acid 95 with aspartic acid.
Molecular consequence: missense variant.
Genome position (GRCh38, 1-based): chr14:75,049,371, C>G on the plus strand (G>C on the coding strand, the complement: MLH3 is on the minus strand). VCF-style: chr14-75049371-C-G. GRCh37 (hg19) VCF-style: chr14-75516074-C-G.
Other names: c.285G>C, p.Glu95Asp (NM_014381.3); short protein forms E95D.
Identifiers: ClinVar variation 858182 (VCV000858182.13), dbSNP rs369067732, ClinGen allele CA7276060.
Genomic context (GRCh38, chr14:75,049,371, plus strand): 5'-CCTGTTTTTCTTGGACGAAATTTCCACAGCACTGGCCATGTCAGCAATATTTGCCAAGGC[C>G]TCTCCTCGGAAACCATAAAACCTTGGATTCTCCAAGTCCTGTACCGAGTGGCATTTACTG-3'
Protein context (NP_001035197.1, residues 85-105): ENPRFYGFRG[Glu95Asp]ALANIADMAS